The following is an entry in ClinVar:

NM_000038.6(APC):c.120G>A (p.Glu40=)

Gene: APC (APC regulator of Wnt signaling pathway; plus strand). Cytogenetic location: 5q22.2.
Variant type: single nucleotide variant.
Coding change: c.120G>A on transcript NM_000038.6 (MANE Select); coding-DNA position 120, G replaced by A.
Protein change: p.Glu40=; no amino-acid change (glutamic acid 40 retained).
Molecular consequence: synonymous variant. On other transcripts: 5 prime UTR variant (1), intron variant (8).
Genome position (GRCh38, 1-based): chr5:112,755,010, G>A. VCF-style: chr5-112755010-G-A. GRCh37 (hg19) VCF-style: chr5-112090707-G-A.
Other names: p.E40E:GAG>GAA; c.120G>A, p.Glu40= (NM_001127510.3, NM_001354895.2, NM_001354896.2 and 2 more transcripts); c.-916G>A (NM_001354906.2); c.166-11316G>A (NM_001354897.2, NM_001354902.2, NM_001127511.3); c.61-11316G>A (NM_001354898.2, NM_001354904.2); c.-42-11316G>A (NM_001354900.2, NM_001354901.2, NM_001354905.2).
Identifiers: ClinVar variation 135683 (VCV000135683.65), dbSNP rs142720069, ClinGen allele CA004090.

ClinVar aggregate classification (germline): Benign/Likely benign. Review status: criteria provided, multiple submitters, no conflicts (2 of 4 stars). 18 submissions from 18 submitters: Benign (11); Likely benign (5). 2 of the submissions do not count toward it. Last evaluated 2026-07-01.

Conditions:
APC-Associated Polyposis Disorders.
Hereditary cancer-predisposing syndrome. Also called: Neoplastic Syndromes, Hereditary; Tumor predisposition; Hereditary neoplastic syndrome; Hereditary Cancer Syndrome. Identifiers: Orphanet 140162, MedGen C0027672, MeSH D009386, MONDO:0015356.
Familial adenomatous polyposis 1 (FAP1). Also called: POLYPOSIS, ADENOMATOUS INTESTINAL; FAMILIAL ADENOMATOUS POLYPOSIS 1, ATTENUATED. Identifiers: MedGen C2713442, MONDO:0021056, OMIM 175100. Disease mechanism: loss of function.

Allele frequency attached by ClinVar (database versions not stated): TOPMed 0.00191; ExAC 0.00067; 1000 Genomes Project 0.00100; gnomAD 0.00149 and 0.00161; ESP Exome Variant Server 0.00154; 1000 Genomes Project 30x 0.00156.
gnomAD v4.1: 605 of 1,613,606 alleles (0.037%); highest among the groups gnomAD compares: African/African-American, 0.5%; 1 homozygote.

Submissions (18):

CeGaT Center for Human Genetics Tuebingen
Classification: Likely benign. Last evaluated: 2026-07-01. Review status: criteria provided, single submitter. Criteria: CeGaT Center For Human Genetics Tuebingen Variant Classification Criteria Version 2. Collection method: clinical testing. Allele origin: germline. Affected: yes. Observed: 10 variant alleles.
Comment: APC: BP4, BS1

Labcorp Genetics (formerly Invitae), Labcorp
Classification: Benign for Familial adenomatous polyposis 1. Last evaluated: 2026-02-02. Review status: criteria provided, single submitter. Criteria: Invitae Variant Classification Sherloc (09022015). Collection method: clinical testing. Allele origin: germline.

Blueprint Genetics
Classification: Likely benign. Last evaluated: 2024-10-25. Review status: criteria provided, single submitter. Criteria: ACMG Guidelines, 2015. Collection method: clinical testing. Allele origin: germline.

Myriad Genetics, Inc.
Classification: Benign for Familial adenomatous polyposis 1. Last evaluated: 2024-02-22. Review status: criteria provided, single submitter. Criteria: Myriad Autosomal Dominant, Autosomal Recessive and X-Linked Classification Criteria (2023). Collection method: clinical testing. Allele origin: unknown.
Comment: This variant is considered benign. This variant is a silent/synonymous amino acid change and it is not expected to impact splicing.

Institute for Biomarker Research, Medical Diagnostic Laboratories, L.L.C.
Classification: Benign for Hereditary cancer-predisposing syndrome. Last evaluated: 2024-02-20. Review status: criteria provided, single submitter. Criteria: ACMG Guidelines, 2015. Collection method: clinical testing. Allele origin: germline.

KCCC/NGS Laboratory, Kuwait Cancer Control Center
Classification: Benign for Familial adenomatous polyposis 1. Last evaluated: 2023-07-07. Review status: criteria provided, single submitter. Criteria: ACMG Guidelines, 2015. Collection method: clinical testing. Allele origin: germline. Affected: yes.

ARUP Laboratories, Molecular Genetics and Genomics, ARUP Laboratories
Classification: Likely benign. Last evaluated: 2023-05-12. Review status: criteria provided, single submitter. Criteria: ARUP Molecular Germline Variant Investigation Process 2024. Collection method: clinical testing. Allele origin: germline.

Quest Diagnostics Nichols Institute San Juan Capistrano
Classification: Benign. Last evaluated: 2022-08-30. Review status: criteria provided, single submitter. Criteria: Quest Diagnostics criteria. Collection method: clinical testing. Allele origin: unknown.

Sema4
Classification: Benign for Hereditary cancer-predisposing syndrome. Last evaluated: 2021-01-26. Review status: criteria provided, single submitter. Criteria: Sema4 Curation Guidelines. Collection method: curation. Allele origin: germline.

Illumina Laboratory Services, Illumina
Classification: Benign for APC-Associated Polyposis Disorders. Last evaluated: 2018-01-13. Review status: criteria provided, single submitter. Criteria: ICSL Variant Classification Criteria 13 December 2019. Collection method: clinical testing. Allele origin: germline.
Comment: This variant was observed in the ICSL laboratory as part of a predisposition screen in an ostensibly healthy population. It had not been previously curated by ICSL or reported in the Human Gene Mutation Database (HGMD: prior to June 1st, 2018), and was therefore a candidate for classification through an automated scoring system. Utilizing variant allele frequency, disease prevalence and penetrance estimates, and inheritance mode, an automated score was calculated to assess if this variant is too frequent to cause the disease. Based on the score and internal cut-off values, a variant classified as benign is not then subjected to further curation. The score for this variant resulted in a classification of benign for this disease.

PreventionGenetics, part of Exact Sciences
Classification: Benign. Last evaluated: 2017-12-11. Review status: criteria provided, single submitter. Criteria: ACMG Guidelines, 2015. Collection method: clinical testing. Allele origin: germline.

Women's Health and Genetics/Laboratory Corporation of America, LabCorp
Classification: Benign. Last evaluated: 2016-05-02. Review status: criteria provided, single submitter. Criteria: LabCorp Variant Classification Summary - May 2015. Collection method: clinical testing. Allele origin: germline.
Comment: Variant summary: The APC c.120G>A variant affects a conserved nucleotide, resulting in synonymous amino acid change. This variant is found in 81/121234 control chromosomes at a frequency of 0.0006681, which is about 11 times greater than the estimated maximal expected frequency of a pathogenic allele (0.0000602) in this gene, suggesting this variant is benign. In addition, multiple clinical laboratories have classified this variant as benign/likely benign. The variant of interest has not, to our knowledge, been reported in affected individuals via publications and/or reputable databases/clinical laboratories. Taken together, this variant has been classified as Benign.

Color Diagnostics, LLC DBA Color Health
Classification: Benign for Hereditary cancer-predisposing syndrome. Last evaluated: 2016-03-09. Review status: criteria provided, single submitter. Criteria: ACMG Guidelines, 2015. Collection method: clinical testing. Allele origin: germline.

Ambry Genetics
Classification: Likely benign for Hereditary cancer-predisposing syndrome. Last evaluated: 2014-09-18. Review status: criteria provided, single submitter. Criteria: Ambry Variant Classification Scheme 2023. Collection method: clinical testing. Allele origin: germline.

GeneDx
Classification: Benign. Last evaluated: 2014-04-07. Review status: criteria provided, single submitter. Criteria: GeneDx Variant Classification (06012015). Collection method: clinical testing. Allele origin: germline. Affected: yes.
Comment: This variant is considered likely benign or benign based on one or more of the following criteria: it is a conservative change, it occurs at a poorly conserved position in the protein, it is predicted to be benign by multiple in silico algorithms, and/or has population frequency not consistent with disease.

Breakthrough Genomics
Classification: Likely benign. Review status: criteria provided, single submitter. Criteria: ACMG Guidelines, 2015. Collection method: not provided. Allele origin: germline. Inheritance: Autosomal dominant inheritance. Affected: yes.

Department of Pathology and Laboratory Medicine, Sinai Health System
Classification: Likely benign for Familial adenomatous polyposis 1. Review status: no assertion criteria provided. Collection method: clinical testing. Allele origin: unknown. Affected: yes. Observed: 2 variant alleles. Study: The Canadian Open Genetics Repository (COGR). Not counted in ClinVar's aggregate classification.
Comment: The APC p.Glu40= variant was identified in 4 of 3182 proband chromosomes (frequency: 0.0013) from individuals or families with FAP (Kerr 2013). The variant was also identified in dbSNP (ID: rs142720069) as "With other allele ", and in ClinVar database (classified as benign by Invitae, GeneDx, Color Genimics and two clinical laboratories; as likely benign by Ambry Genetics and three clinical laboratories). The variant was not identified in GeneInsight-COGR, Cosmic, LOVD 3.0, UMD-LSDB, or Zhejiang University, databases. The variant was identified in control databases in 194 of 276970 chromosomes at a frequency of 0.0007 increasing the likelihood this could be a low frequency benign variant (Genome Aggregation Database Feb 27, 2017). The variant was observed in the following populations: African in 128 of 24032 chromosomes (freq: 0.005), Other in 3 of 6454 chromosomes (freq: 0.0005), Latino in 19 of 34412 chromosomes (freq: 0.0006), European in 2 of 126492 chromosomes (freq: 0.00002), Ashkenazi Jewish in 42 of 10150 chromosomes (freq: 0.004), while the variant was not observed in the East Asian, Finnish, and South Asian populations. The p.Glu40= variant is not expected to have clinical significance because it does not result in a change of amino acid and is not located in a known consensus splice site. The variant occurs outside of the splicing consensus sequence and 1 of 5 in silico or computational prediction software programs (SpliceSiteFinder, MaxEntScan, NNSPLICE, GeneSplicer, HumanSpliceFinder) predict a greater than 10% difference in splicing; this is not very predictive of pathogenicity. In summary, based on the above information the clinical significance of this variant cannot be determined with certainty at this time although we would lean towards a more benign role for this variant. This variant is classified as likely benign.

Mayo Clinic Laboratories, Mayo Clinic
Classification: Likely benign. Review status: no assertion criteria provided. Collection method: research. Allele origin: unknown. Observed: 1 variant allele. Not counted in ClinVar's aggregate classification.

Literature cited by the submitters: PubMed 23159591 (cited by Quest Diagnostics Nichols Institute San Juan Capistrano).